The following is an entry in ClinVar:

ClinVar aggregate classification (germline): Benign/Likely benign. Review status: criteria provided, multiple submitters, no conflicts (2 of 4 stars). 3 submissions from 3 submitters: Benign (1); Likely benign (2). Last evaluated 2025-06-09.

Conditions:
Hereditary cancer-predisposing syndrome. Also called: Hereditary Cancer Syndrome; Hereditary neoplastic syndrome; Neoplastic Syndromes, Hereditary; Tumor predisposition. Identifiers: Orphanet 140162, MedGen C0027672, MeSH D009386, MONDO:0015356.
Tuberous sclerosis 2 (TSC2). Identifiers: Orphanet 805, MedGen C1860707, MONDO:0013199, OMIM 613254.

Allele frequency attached by ClinVar (database versions not stated): gnomAD exomes below 0.00001; ExAC 0.00001; gnomAD 0.00001; TOPMed 0.00001.
gnomAD v4.1: 2 of 1,610,316 alleles (0.00012%); highest among the groups gnomAD compares: African/African-American, 0.0013%; no homozygotes.

Submissions (3):

Myriad Genetics, Inc.
Classification: Benign for Tuberous sclerosis 2. Last evaluated: 2025-06-09. Review status: criteria provided, single submitter. Criteria: Myriad Autosomal Dominant, Autosomal Recessive and X-Linked Classification Criteria (2023). Collection method: clinical testing. Allele origin: unknown.
Comment: This variant is considered benign. This variant is a silent/synonymous amino acid change and it is not expected to impact splicing.

Labcorp Genetics (formerly Invitae), Labcorp
Classification: Likely benign for Tuberous sclerosis 2. Last evaluated: 2025-04-21. Review status: criteria provided, single submitter. Criteria: Invitae Variant Classification Sherloc (09022015). Collection method: clinical testing. Allele origin: germline.

Ambry Genetics
Classification: Likely benign for Hereditary cancer-predisposing syndrome. Last evaluated: 2023-06-05. Review status: criteria provided, single submitter. Criteria: Ambry Variant Classification Scheme 2023. Collection method: clinical testing. Allele origin: germline.

NM_000548.5(TSC2):c.5379G>A (p.Arg1793=)

Gene: TSC2 (TSC complex subunit 2; plus strand). Cytogenetic location: 16p13.3.
Variant type: single nucleotide variant.
Coding change: c.5379G>A on transcript NM_000548.5 (MANE Select); coding-DNA position 5379, G replaced by A.
Protein change: p.Arg1793=; no amino-acid change (arginine 1793 retained).
Molecular consequence: synonymous variant.
Genome position (GRCh38, 1-based): chr16:2,088,565, G>A. VCF-style: chr16-2088565-G-A. GRCh37 (hg19) VCF-style: chr16-2138566-G-A.
Other names: c.5379G>A (NM_000548.3); c.5178G>A, p.Arg1726= (NM_001077183.3); c.5310G>A, p.Arg1770= (NM_001114382.3); c.5070G>A, p.Arg1690= (NM_001318827.2); c.5034G>A, p.Arg1678= (NM_001318829.2); c.4647G>A, p.Arg1549= (NM_001318831.2); c.5211G>A, p.Arg1737= (NM_001318832.2); c.5181G>A, p.Arg1727= (NM_001363528.2); and 3 more.
Identifiers: ClinVar variation 1152192 (VCV001152192.11), dbSNP rs750392366, ClinGen allele CA055256.